The following is an entry in ClinVar:

ClinVar aggregate classification (germline): Uncertain significance (1 of 4 stars; one submission).

Allele frequency attached by ClinVar (database versions not stated): ExAC 0.00001; 1000 Genomes Project 30x 0.00016; gnomAD exomes below 0.00001.

Submission:

GeneDx
Classification: Uncertain significance. Last evaluated: 2019-09-20. Review status: criteria provided, single submitter. Criteria: GeneDx Variant Classification Process June 2021. Collection method: clinical testing. Allele origin: germline. Affected: yes.
Comment: Not observed at a significant frequency in large population cohorts (Lek et al., 2016); In silico analysis, which includes protein predictors and evolutionary conservation, supports that this variant does not alter protein structure/function; Has not been previously published as pathogenic or benign to our knowledge

NM_032634.4(PIGO):c.2990G>A (p.Arg997Gln)

Gene: PIGO (phosphatidylinositol glycan anchor biosynthesis class O; minus strand). Cytogenetic location: 9p13.3.
Variant type: single nucleotide variant.
Coding change: c.2990G>A on transcript NM_032634.4 (MANE Select); coding-DNA position 2990, G replaced by A.
Protein change: p.Arg997Gln; replaces arginine 997 with glutamine.
Molecular consequence: missense variant.
Genome position (GRCh38, 1-based): chr9:35,090,145, C>T on the plus strand (G>A on the coding strand, the complement: PIGO is on the minus strand). VCF-style: chr9-35090145-C-T. GRCh37 (hg19) VCF-style: chr9-35090142-C-T.
Other names: c.1739G>A, p.Arg580Gln (NM_001201484.2, NM_152850.4); short protein forms R580Q, R997Q.
Identifiers: ClinVar variation 1312202 (VCV001312202.2), dbSNP rs770280569, ClinGen allele CA5040283.